The following is an entry in ClinVar:

NM_014391.3(ANKRD1):c.420G>T (p.Leu140Phe)

Gene: ANKRD1 (ankyrin repeat domain 1; minus strand). Cytogenetic location: 10q23.31.
Variant type: single nucleotide variant.
Coding change: c.420G>T on transcript NM_014391.3 (MANE Select); coding-DNA position 420, G replaced by T.
Protein change: p.Leu140Phe; replaces leucine 140 with phenylalanine.
Molecular consequence: missense variant.
Genome position (GRCh38, 1-based): chr10:90,918,898, C>A on the plus strand (G>T on the coding strand, the complement: ANKRD1 is on the minus strand). VCF-style: chr10-90918898-C-A. GRCh37 (hg19) VCF-style: chr10-92678655-C-A.
Other names: short protein forms L140F.
Identifiers: ClinVar variation 543937 (VCV000543937.8), dbSNP rs1554827865, ClinGen allele CA377552158.

ClinVar aggregate classification (germline): Uncertain significance (1 of 4 stars; one submission).

Conditions:
ANKRD1-related dilated cardiomyopathy. Identifiers: MedGen CN119551.

Submission:

Labcorp Genetics (formerly Invitae), Labcorp
Classification: Uncertain significance for ANKRD1-related dilated cardiomyopathy. Last evaluated: 2017-10-22. Review status: criteria provided, single submitter. Criteria: Invitae Variant Classification Sherloc (09022015). Collection method: clinical testing. Allele origin: germline.
Comment: This sequence change replaces leucine with phenylalanine at codon 140 of the ANKRD1 protein (p.Leu140Phe). The leucine residue is highly conserved and there is a small physicochemical difference between leucine and phenylalanine. This variant is not present in population databases (ExAC no frequency). This variant has not been reported in the literature in individuals with ANKRD1-related disease. Algorithms developed to predict the effect of missense changes on protein structure and function do not agree on the potential impact of this missense change (SIFT: "Deleterious"; PolyPhen-2: "Probably Damaging"; Align-GVGD: "Class C0"). In summary, the available evidence is currently insufficient to determine the role of this variant in disease. Therefore, it has been classified as a Variant of Uncertain Significance.